The following is an entry in ClinVar:

NM_001111125.3(IQSEC2):c.195C>G (p.Ser65Arg)

Gene: IQSEC2 (IQ motif and Sec7 domain ArfGEF 2; minus strand). Cytogenetic location: Xp11.22.
Variant type: single nucleotide variant.
Coding change: c.195C>G on transcript NM_001111125.3 (MANE Select); coding-DNA position 195, C replaced by G.
Protein change: p.Ser65Arg; replaces serine 65 with arginine.
Molecular consequence: missense variant.
Genome position (GRCh38, 1-based): chrX:53,320,929, G>C on the plus strand (C>G on the coding strand, the complement: IQSEC2 is on the minus strand). VCF-style: chrX-53320929-G-C. GRCh37 (hg19) VCF-style: chrX-53350127-G-C.
Other names: c.195C>G, p.Ser65Arg (NM_001410736.1, NM_001441092.1); short protein forms S65R.
Identifiers: ClinVar variation 4805909 (VCV004805909.1).

ClinVar aggregate classification (germline): Uncertain significance (1 of 4 stars; one submission).

Conditions:
Intellectual developmental disorder, X-linked 1. Also called: Atkin Flaitz Patil Smith syndrome; MENTAL RETARDATION, X-LINKED 18; MENTAL RETARDATION, X-LINKED 78; Intellectual disability, X-linked 1. Identifiers: Orphanet 777, MedGen C2931498, MONDO:0010656, OMIM 309530.

Submission:

Labcorp Genetics (formerly Invitae), Labcorp
Classification: Uncertain significance for Intellectual developmental disorder, X-linked 1. Last evaluated: 2025-09-03. Review status: criteria provided, single submitter. Criteria: Invitae Variant Classification Sherloc (09022015). Collection method: clinical testing. Allele origin: germline.
Comment: This sequence change replaces serine, which is neutral and polar, with arginine, which is basic and polar, at codon 65 of the IQSEC2 protein (p.Ser65Arg). This variant is not present in population databases (gnomAD no frequency). This variant has not been reported in the literature in individuals affected with IQSEC2-related conditions. Invitae Evidence Modeling of protein sequence and biophysical properties (such as structural, functional, and spatial information, amino acid conservation, physicochemical variation, residue mobility, and thermodynamic stability) indicates that this missense variant is not expected to disrupt IQSEC2 protein function with a negative predictive value of 95%. In summary, the available evidence is currently insufficient to determine the role of this variant in disease. Therefore, it has been classified as a Variant of Uncertain Significance.